The following is an entry in ClinVar:

ClinVar aggregate classification (germline): Uncertain significance (1 of 4 stars; one submission).

Conditions:
EGFR-related lung cancer (EGFR). Identifiers: MedGen CN130014.

Submission:

Labcorp Genetics (formerly Invitae), Labcorp
Classification: Uncertain significance for EGFR-related lung cancer. Last evaluated: 2025-03-25. Review status: criteria provided, single submitter. Criteria: Invitae Variant Classification Sherloc (09022015). Collection method: clinical testing. Allele origin: germline.
Comment: This variant, c.2506_2508del, results in the deletion of 1 amino acid(s) of the EGFR protein (p.Arg836del), but otherwise preserves the integrity of the reading frame. This variant is not present in population databases (gnomAD no frequency). This variant has not been reported in the literature in individuals affected with EGFR-related conditions. Experimental studies and prediction algorithms are not available or were not evaluated, and the functional significance of this variant is currently unknown. In summary, the available evidence is currently insufficient to determine the role of this variant in disease. Therefore, it has been classified as a Variant of Uncertain Significance.

NM_005228.5(EGFR):c.2506_2508del (p.Arg836del)

Gene: EGFR (epidermal growth factor receptor; plus strand). Cytogenetic location: 7p11.2.
Variant type: Deletion.
Coding change: c.2506_2508del on transcript NM_005228.5 (MANE Select); coding-DNA positions 2506 to 2508, 3 bases deleted (CGC; older notation c.2506_2508delCGC).
Protein change: p.Arg836del; deletes arginine 836.
Molecular consequence: inframe deletion.
Genome position (GRCh38, 1-based): chr7:55,191,755-55,191,757, CGC deleted; deleting any 3 consecutive bases within chr7:55,191,754-55,191,757 gives the same sequence; the c. name uses the placement nearest the transcript's 3' end. VCF-style (leftmost placement, unchanged base first): chr7-55191753-ACCG-A. GRCh37 (hg19) VCF-style: chr7-55259446-ACCG-A.
Other names: c.2371_2373del, p.Arg791del (NM_001346897.2, NM_001346899.2); c.2506_2508del, p.Arg836del (NM_001346898.2); c.2347_2349del, p.Arg783del (NM_001346900.2); c.1705_1707del, p.Arg569del (NM_001346941.2); short protein forms R569del, R791del, R836del, R783del.
Identifiers: ClinVar variation 4715878 (VCV004715878.1).
Genomic context (GRCh38, chr7:55,191,753, plus strand): 5'-TCACAGCAGGGTCTTCTCTGTTTCAGGGCATGAACTACTTGGAGGACCGTCGCTTGGTGC[ACCG>A]CGACCTGGCAGCCAGGAACGTACTGGTGAAAACACCGCAGCATGTCAAGATCACAGATTT-3'